The following is an entry in ClinVar:

ClinVar aggregate classification (germline): Conflicting classifications of pathogenicity. Review status: criteria provided, conflicting classifications (1 of 4 stars). 2 submissions from 2 submitters: Uncertain significance (1); Likely benign (1). Last evaluated 2026-07-13.

Conditions:
Hereditary pheochromocytoma and paraganglioma. Also called: Hereditary Paraganglioma-Pheochromocytoma Syndromes; Hereditary pheochromocytoma-paraganglioma; Hereditary paragangliomas and pheochromocytomas. Identifiers: Orphanet 29072, MedGen C4274332, MONDO:0017366.
Hereditary cancer-predisposing syndrome. Also called: Hereditary Cancer Syndrome; Hereditary neoplastic syndrome; Neoplastic Syndromes, Hereditary; Tumor predisposition. Identifiers: Orphanet 140162, MedGen C0027672, MeSH D009386, MONDO:0015356.

Submissions (2):

Ambry Genetics
Classification: Likely benign for Hereditary cancer-predisposing syndrome. Last evaluated: 2026-07-13. Review status: criteria provided, single submitter. Criteria: Ambry Variant Classification Scheme 2023. Collection method: clinical testing. Allele origin: germline.

Labcorp Genetics (formerly Invitae), Labcorp
Classification: Uncertain significance for Hereditary pheochromocytoma and paraganglioma. Last evaluated: 2022-12-03. Review status: criteria provided, single submitter. Criteria: Invitae Variant Classification Sherloc (09022015). Collection method: clinical testing. Allele origin: germline.
Comment: In summary, the available evidence is currently insufficient to determine the role of this variant in disease. Therefore, it has been classified as a Variant of Uncertain Significance. Algorithms developed to predict the effect of missense changes on protein structure and function (SIFT, PolyPhen-2, Align-GVGD) all suggest that this variant is likely to be tolerated. This variant has not been reported in the literature in individuals affected with MAX-related conditions. This variant is not present in population databases (gnomAD no frequency). This sequence change replaces glutamine, which is neutral and polar, with arginine, which is basic and polar, at codon 150 of the MAX protein (p.Gln150Arg).

NM_002382.5(MAX):c.449A>G (p.Gln150Arg)

Gene: MAX (MYC associated transcriptional regulator X; minus strand). Cytogenetic location: 14q23.3.
Variant type: single nucleotide variant.
Coding change: c.449A>G on transcript NM_002382.5 (MANE Select); coding-DNA position 449, A replaced by G.
Protein change: p.Gln150Arg; replaces glutamine 150 with arginine.
Molecular consequence: missense variant. On other transcripts: 3 prime UTR variant (12), non-coding transcript variant (7), intron variant (2).
Genome position (GRCh38, 1-based): chr14:65,076,510, T>C on the plus strand (A>G on the coding strand, the complement: MAX is on the minus strand). VCF-style: chr14-65076510-T-C. GRCh37 (hg19) VCF-style: chr14-65543228-T-C.
Other names: c.422A>G, p.Gln141Arg (NM_145112.3, NM_001407095.1); c.*238A>G (NM_145113.3, NM_001407097.1, NM_001407100.1 and 4 more transcripts); c.144+17198A>G (NM_001271069.2); c.171+17198A>G (NM_197957.4); c.*222A>G (NM_001407096.1, NM_001407099.1, NM_001407102.1 and 2 more transcripts); c.341A>G, p.Gln114Arg (NM_001407098.1); c.260A>G, p.Gln87Arg (NM_001407105.1, NM_001407106.1, NM_001407107.1 and 1 more transcripts); c.248A>G, p.Gln83Arg (NM_001407111.1, NM_001407112.1); and 1 more; short protein forms Q114R, Q83R, Q141R, Q150R, Q87R.
Identifiers: ClinVar variation 2818360 (VCV002818360.4), dbSNP rs2504172885, ClinGen allele CA390031256.